The following is an entry in ClinVar:

ClinVar aggregate classification (germline): Benign/Likely benign. Review status: criteria provided, multiple submitters, no conflicts (2 of 4 stars). 3 submissions from 3 submitters: Benign (1); Likely benign (2). Last evaluated 2026-05-20.

Conditions:
Neurofibromatosis, type 1 (NF1). Also called: Peripheral type neurofibromatosis; NEUROFIBROMATOSIS, TYPE I, SOMATIC; VON RECKLINGHAUSEN DISEASE; Neurofibromatosis, type I. Identifiers: Orphanet 636, MedGen C0027831, MONDO:0018975, OMIM 162200. Disease mechanism: loss of function.
Cardiovascular phenotype. Identifiers: MedGen CN230736.
Hereditary cancer-predisposing syndrome. Also called: Neoplastic Syndromes, Hereditary; Tumor predisposition; Hereditary Cancer Syndrome; Hereditary neoplastic syndrome. Identifiers: Orphanet 140162, MedGen C0027672, MeSH D009386, MONDO:0015356.

Allele frequency attached by ClinVar (database versions not stated): TOPMed below 0.00001.

Submissions (3):

Myriad Genetics, Inc.
Classification: Benign for Neurofibromatosis, type 1. Last evaluated: 2026-05-20. Review status: criteria provided, single submitter. Criteria: Myriad Autosomal Dominant, Autosomal Recessive and X-Linked Classification Criteria (2023). Collection method: clinical testing. Allele origin: unknown.
Comment: This variant is considered benign. This variant is a silent/synonymous amino acid change and it is not expected to impact splicing.

Labcorp Genetics (formerly Invitae), Labcorp
Classification: Likely benign for Neurofibromatosis, type 1. Last evaluated: 2025-09-23. Review status: criteria provided, single submitter. Criteria: Invitae Variant Classification Sherloc (09022015). Collection method: clinical testing. Allele origin: germline.

Ambry Genetics
Classification: Likely benign for Cardiovascular phenotype; Hereditary cancer-predisposing syndrome. Last evaluated: 2022-09-26. Review status: criteria provided, single submitter. Criteria: Ambry Variant Classification Scheme 2023. Collection method: clinical testing. Allele origin: germline.

NM_001042492.3(NF1):c.5406C>A (p.Thr1802=)

Gene: NF1 (neurofibromin 1; plus strand). Cytogenetic location: 17q11.2.
Variant type: single nucleotide variant.
Coding change: c.5406C>A on transcript NM_001042492.3 (MANE Select); coding-DNA position 5406, C replaced by A.
Protein change: p.Thr1802=; no amino-acid change (threonine 1802 retained).
Molecular consequence: synonymous variant.
Genome position (GRCh38, 1-based): chr17:31,327,636, C>A. VCF-style: chr17-31327636-C-A. GRCh37 (hg19) VCF-style: chr17-29654654-C-A.
Other names: c.5343C>A, p.Thr1781= (NM_000267.4).
Identifiers: ClinVar variation 1143716 (VCV001143716.10), dbSNP rs895918165, ClinGen allele CA289378593.